The following is an entry in ClinVar:

ClinVar aggregate classification (germline): Likely benign (1 of 4 stars; one submission).

Conditions:
Malignant hyperthermia, susceptibility to, 5 (MHS5). Also called: CACNA1S-Related Malignant Hyperthermia Susceptibility. Identifiers: Orphanet 423, MedGen C1866077, MONDO:0011163, OMIM 601887.

Allele frequency attached by ClinVar (database versions not stated): gnomAD exomes 0.00001.

Submission:

All of Us Research Program, National Institutes of Health
Classification: Likely benign for Malignant hyperthermia, susceptibility to, 5. Last evaluated: 2023-05-16. Review status: criteria provided, single submitter. Criteria: ACMG Guidelines, 2015. Collection method: clinical testing. Allele origin: germline. Inheritance: Autosomal dominant inheritance. Observed: 1 variant allele, 1 heterozygote.
Comment: This study involves interpretation of variants in research participants for the purpose of population health screening. Participant phenotype was not available at the time of variant classification. Additional details can be found in publication PMID: 35346344, PMCID: PMC8962531

NM_000069.3(CACNA1S):c.129C>A (p.Ala43=)

Gene: CACNA1S (calcium voltage-gated channel subunit alpha1 S; minus strand). Cytogenetic location: 1q32.1.
Variant type: single nucleotide variant.
Coding change: c.129C>A on transcript NM_000069.3 (MANE Select); coding-DNA position 129, C replaced by A.
Protein change: p.Ala43=; no amino-acid change (alanine 43 retained).
Molecular consequence: synonymous variant.
Genome position (GRCh38, 1-based): chr1:201,112,211, G>T on the plus strand (C>A on the coding strand, the complement: CACNA1S is on the minus strand). VCF-style: chr1-201112211-G-T. GRCh37 (hg19) VCF-style: chr1-201081339-G-T.
Identifiers: ClinVar variation 3071209 (VCV003071209.1), dbSNP rs1558092018, ClinGen allele CA422697902.